The following is an entry in ClinVar:

NM_005869.4(CWC27):c.600-9_606del

Gene: CWC27 (CWC27 spliceosome associated cyclophilin; plus strand). Cytogenetic location: 5q12.3.
Variant type: Deletion.
Coding change: c.600-9_606del on transcript NM_005869.4 (MANE Select); 9 bases into the intron before coding-DNA position 600 through coding-DNA position 606, 16 bases deleted (TTGGACTAGAAATTTT).
Molecular consequence: splice acceptor variant.
Genome position (GRCh38, 1-based): chr5:64,788,942-64,788,957, TTGGACTAGAAATTTT deleted; deleting any 16 consecutive bases within chr5:64,788,938-64,788,957 gives the same sequence; the c. name uses the placement nearest the transcript's 3' end. VCF-style (leftmost placement, unchanged base first): chr5-64788937-TTTTTTTGGACTAGAAA-T. GRCh37 (hg19) VCF-style: chr5-64084764-TTTTTTTGGACTAGAAA-T.
Other names: c.600-9_606del (NM_001297644.1, NM_001364478.1, NM_001318000.2 and 1 more transcripts).
Identifiers: ClinVar variation 2729822 (VCV002729822.3), dbSNP rs2531272296, ClinGen allele CA2674011638.

ClinVar aggregate classification (germline): Likely pathogenic (1 of 4 stars; one submission).

Submission:

Labcorp Genetics (formerly Invitae), Labcorp
Classification: Likely pathogenic. Last evaluated: 2023-06-27. Review status: criteria provided, single submitter. Criteria: Invitae Variant Classification Sherloc (09022015). Collection method: clinical testing. Allele origin: germline.
Comment: In summary, the currently available evidence indicates that the variant is pathogenic, but additional data are needed to prove that conclusively. Therefore, this variant has been classified as Likely Pathogenic. Algorithms developed to predict the effect of sequence changes on RNA splicing suggest that this variant may disrupt the consensus splice site. This variant has not been reported in the literature in individuals affected with CWC27-related conditions. This variant is not present in population databases (gnomAD no frequency). This variant results in the deletion of part of exon 7 (c.600-9_606del) of the CWC27 gene. It is expected to disrupt RNA splicing. Variants that disrupt the donor or acceptor splice site typically lead to a loss of protein function (PMID: 16199547), and loss-of-function variants in CWC27 are known to be pathogenic (PMID: 28285769).

Literature cited by the submitters: PubMed 16199547; PubMed 28285769.